The following is an entry in ClinVar:

NM_000051.4(ATM):c.6923C>G (p.Ala2308Gly)

Genes: C11orf65 (chromosome 11 open reading frame 65; minus strand), ATM (ATM serine/threonine kinase; plus strand). Cytogenetic location: 11q22.3.
Variant type: single nucleotide variant.
Coding change: c.6923C>G on transcript NM_000051.4 (MANE Select); coding-DNA position 6923, C replaced by G.
Protein change: p.Ala2308Gly; replaces alanine 2308 with glycine.
Molecular consequence: missense variant. On other transcripts: intron variant (2).
Genome position (GRCh38, 1-based): chr11:108,326,173, C>G. VCF-style: chr11-108326173-C-G. GRCh37 (hg19) VCF-style: chr11-108196900-C-G.
Other names: c.6923C>G, p.Ala2308Gly (NM_001351834.2); c.641-17102G>C (NM_001330368.2); c.*38+9047G>C (NM_001351110.2); short protein forms A2308G.
Identifiers: ClinVar variation 1756179 (VCV001756179.2), dbSNP rs876658454, ClinGen allele CA382557102.

ClinVar aggregate classification (germline): Uncertain significance (1 of 4 stars; one submission).

Conditions:
Hereditary cancer-predisposing syndrome. Also called: Hereditary neoplastic syndrome; Neoplastic Syndromes, Hereditary; Tumor predisposition; Hereditary Cancer Syndrome. Identifiers: Orphanet 140162, MedGen C0027672, MeSH D009386, MONDO:0015356.

Submission:

Ambry Genetics
Classification: Uncertain significance for Hereditary cancer-predisposing syndrome. Last evaluated: 2021-06-18. Review status: criteria provided, single submitter. Criteria: Ambry Variant Classification Scheme 2023. Collection method: clinical testing. Allele origin: germline.
Comment: The p.A2308G variant (also known as c.6923C>G), located in coding exon 46 of the ATM gene, results from a C to G substitution at nucleotide position 6923. The alanine at codon 2308 is replaced by glycine, an amino acid with similar properties. This amino acid position is conserved. In addition, this alteration is predicted to be deleterious by in silico analysis. Since supporting evidence is limited at this time, the clinical significance of this alteration remains unclear.